The following is an entry in ClinVar:

NM_001330260.2(SCN8A):c.3135C>T (p.Ile1045=)

Gene: SCN8A (sodium voltage-gated channel alpha subunit 8; plus strand). Cytogenetic location: 12q13.13.
Variant type: single nucleotide variant.
Coding change: c.3135C>T on transcript NM_001330260.2 (MANE Select); coding-DNA position 3135, C replaced by T.
Protein change: p.Ile1045=; no amino-acid change (isoleucine 1045 retained).
Molecular consequence: synonymous variant.
Genome position (GRCh38, 1-based): chr12:51,769,098, C>T. VCF-style: chr12-51769098-C-T. GRCh37 (hg19) VCF-style: chr12-52162882-C-T.
Other names: c.3135C>T, p.Ile1045= (NM_001177984.3, NM_001369788.1, NM_014191.4).
Identifiers: ClinVar variation 509380 (VCV000509380.15), dbSNP rs550579591, ClinGen allele CA6571549.

ClinVar aggregate classification (germline): Conflicting classifications of pathogenicity. Review status: criteria provided, conflicting classifications (1 of 4 stars). 4 submissions from 4 submitters: Uncertain significance (1); Likely benign (3). Last evaluated 2026-01-19.

Conditions:
Early-infantile DEE. Also called: Ohtahara syndrome; Early infantile epileptic encephalopathy with suppression bursts; Early infantile epileptic encephalopathy. Identifiers: Orphanet 1934, MedGen C0393706, MONDO:0800491.

Allele frequency attached by ClinVar (database versions not stated): ExAC 0.00002; gnomAD exomes 0.00002 and 0.00004; gnomAD 0.00006 and 0.00007; TOPMed 0.00007; 1000 Genomes Project 30x 0.00016; 1000 Genomes Project 0.00020.
gnomAD v4.1: 65 of 1,613,692 alleles (0.004%); highest among the groups gnomAD compares: African/African-American, 0.011%; no homozygotes.

Submissions (4):

Labcorp Genetics (formerly Invitae), Labcorp
Classification: Likely benign for Early-infantile DEE. Last evaluated: 2026-01-19. Review status: criteria provided, single submitter. Criteria: Invitae Variant Classification Sherloc (09022015). Collection method: clinical testing. Allele origin: germline.

Blueprint Genetics
Classification: Likely benign. Last evaluated: 2024-03-05. Review status: criteria provided, single submitter. Criteria: ACMG Guidelines, 2015. Collection method: clinical testing. Allele origin: germline.

Eurofins Ntd Llc (ga)
Classification: Uncertain significance. Last evaluated: 2018-06-22. Review status: criteria provided, single submitter. Criteria: EGL ClinVar v180209 classification definitions. Collection method: clinical testing. Allele origin: germline. Observed: 1 variant allele, 1 heterozygote.

GeneDx
Classification: Likely benign. Last evaluated: 2017-05-04. Review status: criteria provided, single submitter. Criteria: GeneDx Variant Classification (06012015). Collection method: clinical testing. Allele origin: germline. Affected: yes.
Comment: This variant is considered likely benign or benign based on one or more of the following criteria: it is a conservative change, it occurs at a poorly conserved position in the protein, it is predicted to be benign by multiple in silico algorithms, and/or has population frequency not consistent with disease.